The following is an entry in ClinVar:

NM_000179.3(MSH6):c.3916_3930delinsTTCTTGTTATTCAAAAGGGACATA (p.Ala1306_Glu1310delinsPheLeuLeuPheLysArgAspIle)

Gene: MSH6 (mutS homolog 6; plus strand). Cytogenetic location: 2p16.3.
Variant type: Indel.
Coding change: c.3916_3930delinsTTCTTGTTATTCAAAAGGGACATA on transcript NM_000179.3 (MANE Select); coding-DNA positions 3916 to 3930, GCTAATCTCCCAGAG replaced by TTCTTGTTATTCAAAAGGGACATA.
Protein change: p.Ala1306_Glu1310delinsPheLeuLeuPheLysArgAspIle.
Molecular consequence: inframe indel.
Genome position (GRCh38, 1-based): chr2:47,806,566-47,806,580, GCTAATCTCCCAGAG replaced by TTCTTGTTATTCAAAAGGGACATA. GRCh37 (hg19): chr2:48,033,705-48,033,719.
Other names: c.3916_3930delGCTAATCTCCCAGAGinsTTCTTGTTATTCAAAAGGGACATA (NM_000179.2); c.3526_3540delinsTTCTTGTTATTCAAAAGGGACATA, p.Ala1176_Glu1180delinsPheLeuLeuPheLysArgAspIle (NM_001281492.2); c.3010_3024delinsTTCTTGTTATTCAAAAGGGACATA, p.Ala1004_Glu1008delinsPheLeuLeuPheLysArgAspIle (NM_001281493.2, NM_001281494.2).
Identifiers: ClinVar variation 486903 (VCV000486903.5), dbSNP rs1553333583, ClinGen allele CA658655763.

ClinVar aggregate classification (germline): Uncertain significance (1 of 4 stars; one submission).

Conditions:
Hereditary cancer-predisposing syndrome. Also called: Tumor predisposition; Hereditary Cancer Syndrome; Hereditary neoplastic syndrome; Neoplastic Syndromes, Hereditary. Identifiers: Orphanet 140162, MedGen C0027672, MeSH D009386, MONDO:0015356.

Submission:

Ambry Genetics
Classification: Uncertain significance for Hereditary cancer-predisposing syndrome. Last evaluated: 2016-11-17. Review status: criteria provided, single submitter. Criteria: Ambry Variant Classification Scheme 2023. Collection method: clinical testing. Allele origin: germline.
Comment: The c.3916_3930del15ins24 variant, located in coding exon 9 of the MSH6 gene, results from an in-frame deletion of 15 nucleotides and insertion of 24 nucleotides at positions 3916 to 3930. This causes the substitution of 5 amino acids and insertion of 3 additional amino acids at codons 1306 to 1310 (p.A1306_E1310delinsFLLFKRDI). This variant was not reported in population based cohorts in the following databases: Database of Single Nucleotide Polymorphisms (dbSNP), NHLBI Exome Sequencing Project (ESP), and 1000 Genomes Project. In the ESP, this variant was not observed in 6503 samples (13006 alleles) with coverage at this position. To date, this alteration has been detected with an allele frequency of approximately 0.001% (greater than 150000 alleles tested) in our clinical cohort. Since supporting evidence is limited at this time, the clinical significance of this alteration remains unclear.